The following is an entry in ClinVar:

ClinVar aggregate classification (germline): Uncertain significance. Review status: criteria provided, multiple submitters, no conflicts (2 of 4 stars). 2 submissions from 2 submitters: Uncertain significance (2). Last evaluated 2021-08-02.

Conditions:
Inborn genetic diseases. Identifiers: MedGen C0950123, MeSH D030342.
Immunodeficiency 37 (IMD37). Identifiers: MedGen C4015195, MONDO:0014491, OMIM 616098.

Allele frequency attached by ClinVar (database versions not stated): gnomAD 0.00001; gnomAD exomes 0.00001 and 0.00003; ExAC 0.00002; TOPMed 0.00004.
gnomAD v4.1: 17 of 1,613,332 alleles (0.0011%); highest among the groups gnomAD compares: Admixed American, 0.017%; no homozygotes.

Submissions (2):

Ambry Genetics
Classification: Uncertain significance for Inborn genetic diseases. Last evaluated: 2021-08-02. Review status: criteria provided, single submitter. Criteria: Ambry Variant Classification Scheme 2023. Collection method: clinical testing. Allele origin: germline.

Labcorp Genetics (formerly Invitae), Labcorp
Classification: Uncertain significance for Immunodeficiency 37. Last evaluated: 2021-07-21. Review status: criteria provided, single submitter. Criteria: Invitae Variant Classification Sherloc (09022015). Collection method: clinical testing. Allele origin: germline.
Comment: In summary, the available evidence is currently insufficient to determine the role of this variant in disease. Therefore, it has been classified as a Variant of Uncertain Significance. Algorithms developed to predict the effect of sequence changes on RNA splicing suggest that this variant may create or strengthen a splice site, but this prediction has not been confirmed by published transcriptional studies. Algorithms developed to predict the effect of missense changes on protein structure and function (SIFT, PolyPhen-2, Align-GVGD) all suggest that this variant is likely to be tolerated, but these predictions have not been confirmed by published functional studies and their clinical significance is uncertain. This variant has not been reported in the literature in individuals with BCL10-related conditions. This variant is present in population databases (rs756231389, ExAC 0.02%). This sequence change replaces isoleucine with valine at codon 96 of the BCL10 protein (p.Ile96Val). The isoleucine residue is highly conserved and there is a small physicochemical difference between isoleucine and valine.

NM_003921.5(BCL10):c.286A>G (p.Ile96Val)

Gene: BCL10 (BCL10 immune signaling adaptor; minus strand). Cytogenetic location: 1p22.3.
Variant type: single nucleotide variant.
Coding change: c.286A>G on transcript NM_003921.5 (MANE Select); coding-DNA position 286, A replaced by G.
Protein change: p.Ile96Val; replaces isoleucine 96 with valine.
Molecular consequence: missense variant.
Genome position (GRCh38, 1-based): chr1:85,270,678, T>C on the plus strand (A>G on the coding strand, the complement: BCL10 is on the minus strand). VCF-style: chr1-85270678-T-C. GRCh37 (hg19) VCF-style: chr1-85736361-T-C.
Other names: c.286A>G, p.Ile96Val (NM_001320715.2); c.286A>G (NM_003921.4); short protein forms I96V.
Identifiers: ClinVar variation 1021998 (VCV001021998.11), dbSNP rs756231389, ClinGen allele CA929785.